The following is an entry in ClinVar:

ClinVar aggregate classification (germline): Uncertain significance (1 of 4 stars; one submission).

Allele frequency attached by ClinVar (database versions not stated): gnomAD exomes below 0.00001.
gnomAD v4.1: 2 of 1,550,380 alleles (0.00013%); highest among the groups gnomAD compares: Non-Finnish European, 0.00017%; no homozygotes.

Submission:

GeneDx
Classification: Uncertain significance. Last evaluated: 2021-04-13. Review status: criteria provided, single submitter. Criteria: GeneDx Variant Classification Process June 2021. Collection method: clinical testing. Allele origin: germline. Affected: yes.
Comment: Not observed in large population cohorts (Lek et al., 2016); In silico analysis supports that this missense variant does not alter protein structure/function; Has not been previously published as pathogenic or benign to our knowledge

NM_001367624.2(ZNF469):c.5468T>C (p.Phe1823Ser)

Gene: ZNF469 (zinc finger protein 469; plus strand). Cytogenetic location: 16q24.2.
Variant type: single nucleotide variant.
Coding change: c.5468T>C on transcript NM_001367624.2 (MANE Select); coding-DNA position 5468, T replaced by C.
Protein change: p.Phe1823Ser; replaces phenylalanine 1823 with serine.
Molecular consequence: missense variant.
Genome position (GRCh38, 1-based): chr16:88,432,938, T>C. VCF-style: chr16-88432938-T-C. GRCh37 (hg19) VCF-style: chr16-88499346-T-C.
Other names: NM_001127464.1:c.5384T>C; short protein forms F1823S.
Identifiers: ClinVar variation 1314654 (VCV001314654.2), dbSNP rs2142307934, ClinGen allele CA397100655.